The following is an entry in ClinVar:

NM_001163435.3(TBCK):c.155G>C (p.Arg52Thr)

Gene: TBCK (TBC1 domain containing kinase; minus strand). Cytogenetic location: 4q24.
Variant type: single nucleotide variant.
Coding change: c.155G>C on transcript NM_001163435.3 (MANE Select); coding-DNA position 155, G replaced by C.
Protein change: p.Arg52Thr; replaces arginine 52 with threonine.
Molecular consequence: missense variant. On other transcripts: 5 prime UTR variant (1).
Genome position (GRCh38, 1-based): chr4:106,308,806, C>G on the plus strand (G>C on the coding strand, the complement: TBCK is on the minus strand). VCF-style: chr4-106308806-C-G. GRCh37 (hg19) VCF-style: chr4-107229963-C-G.
Other names: c.155G>C, p.Arg52Thr (NM_001163436.4, NM_001163437.3, NM_033115.5); c.-463G>C (NM_001290768.2); c.155G>C (NM_001163435.2); short protein forms R52T.
Identifiers: ClinVar variation 1502725 (VCV001502725.5), dbSNP rs1419212818, ClinGen allele CA357973967.

ClinVar aggregate classification (germline): Uncertain significance. Review status: criteria provided, multiple submitters, no conflicts (2 of 4 stars). 2 submissions from 2 submitters: Uncertain significance (2). Last evaluated 2022-11-21.

Conditions:
TBCK-related disorder. Also called: TBCK-related condition; TBCK-related disorders.

Allele frequency attached by ClinVar (database versions not stated): gnomAD exomes below 0.00001 and 0.00001; TOPMed below 0.00001.
gnomAD v4.1: 3 of 1,614,066 alleles (0.00019%); highest among the groups gnomAD compares: South Asian, 0.0022%; no homozygotes.

Submissions (2):

PreventionGenetics, part of Exact Sciences
Classification: Uncertain significance for TBCK-related condition. Last evaluated: 2022-11-21. Review status: criteria provided, single submitter. Criteria: ACMG Guidelines, 2015. Collection method: clinical testing. Allele origin: germline.
Comment: The TBCK c.155G>C variant is predicted to result in the amino acid substitution p.Arg52Thr. To our knowledge, this variant has not been reported in the literature. This variant is reported in 0.00088% of alleles in individuals of European (Non-Finnish) descent in gnomAD. At this time, the clinical significance of this variant is uncertain due to the absence of conclusive functional and genetic evidence.

Labcorp Genetics (formerly Invitae), Labcorp
Classification: Uncertain significance. Last evaluated: 2021-09-09. Review status: criteria provided, single submitter. Criteria: Invitae Variant Classification Sherloc (09022015). Collection method: clinical testing. Allele origin: germline.
Comment: In summary, the available evidence is currently insufficient to determine the role of this variant in disease. Therefore, it has been classified as a Variant of Uncertain Significance. Algorithms developed to predict the effect of missense changes on protein structure and function are either unavailable or do not agree on the potential impact of this missense change (SIFT: "Tolerated"; PolyPhen-2: "Possibly Damaging"; Align-GVGD: "Class C0"). This variant has not been reported in the literature in individuals affected with TBCK-related conditions. This variant is not present in population databases (ExAC no frequency). This sequence change replaces arginine with threonine at codon 52 of the TBCK protein (p.Arg52Thr). The arginine residue is moderately conserved and there is a moderate physicochemical difference between arginine and threonine.